The following is an entry in ClinVar:

NM_174889.5(NDUFAF2):c.217+114del

Gene: NDUFAF2 (NADH:ubiquinone oxidoreductase complex assembly factor 2; plus strand). Cytogenetic location: 5q12.1.
Variant type: Deletion.
Coding change: c.217+114del on transcript NM_174889.5 (MANE Select); 114 bases into the intron after coding-DNA position 217, one base deleted (G; older notation c.217+114delG).
Molecular consequence: intron variant.
Genome position (GRCh38, 1-based): chr5:61,073,328, G deleted. VCF-style (leftmost placement, unchanged base first): chr5-61073327-TG-T. GRCh37 (hg19) VCF-style: chr5-60369154-TG-T.
Identifiers: ClinVar variation 674099 (VCV000674099.1), dbSNP rs34070675, ClinGen allele CA119569337.

ClinVar aggregate classification (germline): Benign (1 of 4 stars; one submission).

Allele frequency attached by ClinVar (database versions not stated): TOPMed 0.16203; 1000 Genomes Project 30x 0.16302; 1000 Genomes Project 0.16653; gnomAD 0.16792 and 0.17036; gnomAD exomes 0.18118.

Submission:

GeneDx
Classification: Benign. Last evaluated: 2018-06-14. Review status: criteria provided, single submitter. Criteria: GeneDx Variant Classification (06012015). Collection method: clinical testing. Allele origin: germline. Affected: yes.
Comment: This variant is considered likely benign or benign based on one or more of the following criteria: it is a conservative change, it occurs at a poorly conserved position in the protein, it is predicted to be benign by multiple in silico algorithms, and/or has population frequency not consistent with disease.